The following continues an entry in ClinVar:

NM_000035.4(ALDOB):c.360_363del (p.Asn120fs)

Gene: ALDOB. ClinVar aggregate classification (germline): Pathogenic. Pathogenic (15).

Submissions 16 to 22 of 22:

Department of Genetics, Suzhou Beikang Medical Laboratory
Classification: Pathogenic for Hereditary fructosuria. Last evaluated: 2024-10-31. Review status: no assertion criteria provided. Collection method: clinical testing. Allele origin: germline. Affected: no. Not counted in ClinVar's aggregate classification.
Comment: The c.360_363del pathogenic mutation, located in coding exon 4 of the ALDOB gene, results from a deletion of 5 nucleotides at nucleotide positions 370 to 374, causing a translational frameshift with a predicted alternate stop codon (p.Asn120Lysfs*32). This mutation has been identified in a cohort of patients with fructose intolerance (PMID:17955389;2339710;26937407). In addition to the clinical data presented in the literature, this alteration is expected to result in loss of function by premature protein truncation or nonsense-mediated mRNA decay. ClinVar contains an entry for this variant (Variation ID: 188861). As such, this alteration is interpreted as a disease-causing mutation.

PreventionGenetics, part of Exact Sciences
Classification: Pathogenic for ALDOB-related condition. Last evaluated: 2024-08-26. Review status: no assertion criteria provided. Collection method: clinical testing. Allele origin: germline. Not counted in ClinVar's aggregate classification.
Comment: The ALDOB c.360_363delCAAA variant is predicted to result in a frameshift and premature protein termination (p.Asn120Lysfs*32). This variant has been observed in the homozygous and compound heterozygous states in patients with hereditary fructose intolerance (described as Δ4 in Dazzo and Tolan. 1990. PubMed ID: 2339710; Alfares. 2018. PubMed ID: 30202406; Valadares et al. 2015. PubMed ID: 26937407). This variant is reported in 0.015% of alleles in individuals of East Asian descent in gnomAD. Frameshift variants in ALDOB are expected to be pathogenic. In summary, this variant is interpreted as pathogenic.

ATS em Genética Clínica, Universidade Federal do Rio Grande do Sul
Classification: Pathogenic for Hereditary fructosuria. Last evaluated: 2021-03-18. Review status: no assertion criteria provided. Collection method: literature only. Allele origin: unknown. Affected: yes. Not counted in ClinVar's aggregate classification.

Counsyl
Classification: Likely pathogenic for Hereditary fructosuria. Last evaluated: 2014-07-02. Review status: no assertion criteria provided. Collection method: literature only. Allele origin: unknown. Inheritance: Autosomal recessive inheritance. Not counted in ClinVar's aggregate classification.

OMIM
Classification: Pathogenic for FRUCTOSE INTOLERANCE, HEREDITARY. Last evaluated: 1990-06-01. Review status: no assertion criteria provided. Collection method: literature only. Allele origin: germline. Not counted in ClinVar's aggregate classification.

GeneReviews
No classification provided. Condition: Hereditary fructosuria. Review status: no classification provided. Collection method: literature only. Allele origin: germline. Not counted in ClinVar's aggregate classification.
Comment: One of the six most common HFI variants in US and European populations including Turkey, Spain, Central Europe, France, US, and Italy

HFI Laboratory at Boston University, Boston University
Classification: Pathogenic for Hereditary fructosuria. Review status: no assertion criteria provided. Collection method: clinical testing. Allele origin: germline. Not counted in ClinVar's aggregate classification.

Literature cited by the submitters: PubMed 18541450 (cited by 4 submitters); PubMed 2339710 (cited by 9 submitters); PubMed 26937407 (cited by 4 submitters); PubMed 31591370 (cited by Natera, Inc. and Mayo Clinic Laboratories, Mayo Clinic); PubMed 33028743 (cited by Ambry Genetics and Mayo Clinic Laboratories, Mayo Clinic); PubMed 12205126 (cited by Mayo Clinic Laboratories, Mayo Clinic and GeneReviews); PubMed 15880727 (cited by 3 submitters); PubMed 16406649 (cited by Mayo Clinic Laboratories, Mayo Clinic and Counsyl); PubMed 20033295 (cited by 4 submitters); PubMed 23430936 (cited by 3 submitters); PubMed 8880583 (cited by Counsyl); PubMed 17955389 (cited by Counsyl); PubMed 7717389 (cited by Counsyl); PubMed 8292669 (cited by Counsyl); PubMed 11757579 (cited by GeneReviews).